The following is an entry in ClinVar:

NM_006269.2(RP1):c.5780C>T (p.Pro1927Leu)

Genes: RP1 (RP1 axonemal microtubule associated; plus strand), LOC126860392 (CDK7 strongly-dependent group 2 enhancer GRCh37_chr8:55541319-55542518; plus strand). Cytogenetic location: 8q12.1.
Variant type: single nucleotide variant.
Coding change: c.5780C>T on transcript NM_006269.2 (MANE Select); coding-DNA position 5780, C replaced by T.
Protein change: p.Pro1927Leu; replaces proline 1927 with leucine.
Molecular consequence: missense variant. On other transcripts: intron variant (1).
Genome position (GRCh38, 1-based): chr8:54,629,662, C>T. VCF-style: chr8-54629662-C-T. GRCh37 (hg19) VCF-style: chr8-55542222-C-T.
Other names: c.787+7374C>T (NM_001375654.1); short protein forms P1927L.
Identifiers: ClinVar variation 1494172 (VCV001494172.8), dbSNP rs2129318389, ClinGen allele CA370987920.
Genomic context (GRCh38, chr8:54,629,662, plus strand): 5'-TGGATAAACTGTATGCTCTTTGTGGTCAACATTGCCCAATACTAACTGTTATTATCCAAC[C>T]CATGAATGAGGAAGACCGAGGATTTGCATATCGCAAAGAATCTGATATTGAAAATTTCTT-3'
Protein context (NP_006260.1, residues 1917-1937): HCPILTVIIQ[Pro1927Leu]MNEEDRGFAY

ClinVar aggregate classification (germline): Uncertain significance (1 of 4 stars; one submission).

Allele frequency attached by ClinVar (database versions not stated): gnomAD exomes below 0.00001.
gnomAD v4.1: 3 of 1,613,880 alleles (0.00019%); highest among the groups gnomAD compares: South Asian, 0.0011%; no homozygotes.

Submission:

Labcorp Genetics (formerly Invitae), Labcorp
Classification: Uncertain significance. Last evaluated: 2024-10-23. Review status: criteria provided, single submitter. Criteria: Invitae Variant Classification Sherloc (09022015). Collection method: clinical testing. Allele origin: germline.
Comment: This sequence change replaces proline, which is neutral and non-polar, with leucine, which is neutral and non-polar, at codon 1927 of the RP1 protein (p.Pro1927Leu). This variant is not present in population databases (gnomAD no frequency). This variant has not been reported in the literature in individuals affected with RP1-related conditions. ClinVar contains an entry for this variant (Variation ID: 1494172). An algorithm developed to predict the effect of missense changes on protein structure and function (PolyPhen-2) suggests that this variant is likely to be disruptive. In summary, the available evidence is currently insufficient to determine the role of this variant in disease. Therefore, it has been classified as a Variant of Uncertain Significance.